The following is an entry in ClinVar:

NM_001191061.2(SLC25A22):c.523C>T (p.Arg175Cys)

Gene: SLC25A22 (solute carrier family 25 member 22; minus strand). Cytogenetic location: 11p15.5.
Variant type: single nucleotide variant.
Coding change: c.523C>T on transcript NM_001191061.2 (MANE Select); coding-DNA position 523, C replaced by T.
Protein change: p.Arg175Cys; replaces arginine 175 with cysteine.
Molecular consequence: missense variant.
Genome position (GRCh38, 1-based): chr11:792,617, G>A on the plus strand (C>T on the coding strand, the complement: SLC25A22 is on the minus strand). VCF-style: chr11-792617-G-A. GRCh37 (hg19) VCF-style: chr11-792617-G-A.
Other names: c.523C>T, p.Arg175Cys (NM_001191060.2, NM_024698.6); c.523C>T (NM_024698.5); short protein forms R175C.
Identifiers: ClinVar variation 2202317 (VCV002202317.2), dbSNP rs748985316, ClinGen allele CA5789163.

ClinVar aggregate classification (germline): Uncertain significance. Review status: criteria provided, multiple submitters, no conflicts (2 of 4 stars). 2 submissions from 2 submitters: Uncertain significance (2). Last evaluated 2025-08-31.

Conditions:
Developmental and epileptic encephalopathy. Identifiers: MedGen C5779964, MONDO:0100620.
Inborn genetic diseases. Identifiers: MedGen C0950123, MeSH D030342.

Allele frequency attached by ClinVar (database versions not stated): gnomAD exomes 0.00001; TOPMed 0.00003; ExAC 0.00002; gnomAD 0.00003.
gnomAD v4.1: 22 of 1,603,842 alleles (0.0014%); highest among the groups gnomAD compares: South Asian, 0.016%; no homozygotes.

Submissions (2):

Ambry Genetics
Classification: Uncertain significance for Inborn genetic diseases. Last evaluated: 2025-08-31. Review status: criteria provided, single submitter. Criteria: Ambry Variant Classification Scheme 2023. Collection method: clinical testing. Allele origin: germline.

Labcorp Genetics (formerly Invitae), Labcorp
Classification: Uncertain significance for Early-infantile DEE. Last evaluated: 2022-07-13. Review status: criteria provided, single submitter. Criteria: Invitae Variant Classification Sherloc (09022015). Collection method: clinical testing. Allele origin: germline.
Comment: This sequence change replaces arginine, which is basic and polar, with cysteine, which is neutral and slightly polar, at codon 175 of the SLC25A22 protein (p.Arg175Cys). The frequency data for this variant in the population databases is considered unreliable, as metrics indicate poor data quality at this position in the gnomAD database. This variant has not been reported in the literature in individuals affected with SLC25A22-related conditions. Algorithms developed to predict the effect of missense changes on protein structure and function are either unavailable or do not agree on the potential impact of this missense change (SIFT: "Deleterious"; PolyPhen-2: "Possibly Damaging"; Align-GVGD: "Class C0"). In summary, the available evidence is currently insufficient to determine the role of this variant in disease. Therefore, it has been classified as a Variant of Uncertain Significance.